The following is an entry in ClinVar:

NM_001112726.3(CEP170B):c.3350C>T (p.Thr1117Ile)

Gene: CEP170B (centrosomal protein 170B; plus strand). Cytogenetic location: 14q32.33.
Variant type: single nucleotide variant.
Coding change: c.3350C>T on transcript NM_001112726.3 (MANE Select); coding-DNA position 3350, C replaced by T.
Protein change: p.Thr1117Ile; replaces threonine 1117 with isoleucine.
Molecular consequence: missense variant.
Genome position (GRCh38, 1-based): chr14:104,887,589, C>T. VCF-style: chr14-104887589-C-T. GRCh37 (hg19) VCF-style: chr14-105353926-C-T.
Other names: c.3140C>T, p.Thr1047Ile (NM_015005.3); short protein forms T1047I, T1117I.
Identifiers: ClinVar variation 3040585 (VCV003040585.3), dbSNP rs62641741, ClinGen allele CA7376112.
Genomic context (GRCh38, chr14:104,887,589, plus strand): 5'-GTAGCTCAGCCAGCTCCCAGAAGGGGCCGCAGGCCTTGACCCGCTCCAACAGCCTGTCCA[C>T]CCCTCGCCCCACACGGGCCTCCCGGCTGAGGCGGGCCCGGCTGGGGGACGCTTCAGACAC-3'
Protein context (NP_001106197.1, residues 1107-1127): QALTRSNSLS[Thr1117Ile]PRPTRASRLR

ClinVar aggregate classification (germline): Uncertain significance. Review status: criteria provided, single submitter (1 of 4 stars). 2 submissions from 2 submitters: Uncertain significance (1). 1 of the submissions does not count toward it. Last evaluated 2025-11-07.

Conditions:
CEP170B-related disorder. Also called: CEP170B-related condition.

Allele frequency attached by ClinVar (database versions not stated): ESP Exome Variant Server 0.00095; 1000 Genomes Project 0.00260; 1000 Genomes Project 30x 0.00281; gnomAD 0.00258; ExAC 0.00122; gnomAD exomes 0.00024; TOPMed 0.00298.
gnomAD v4.1: 753 of 1,587,570 alleles (0.047%); highest among the groups gnomAD compares: African/African-American, 0.87%; 4 homozygotes.

Submissions (2):

Ambry Genetics
Classification: Uncertain significance. Last evaluated: 2025-11-07. Review status: criteria provided, single submitter. Criteria: Ambry Variant Classification Scheme 2023. Collection method: clinical testing. Allele origin: germline.

PreventionGenetics, part of Exact Sciences
Classification: Likely benign for CEP170B-related condition. Last evaluated: 2019-02-21. Review status: no assertion criteria provided. Collection method: clinical testing. Allele origin: germline. Not counted in ClinVar's aggregate classification.
Comment: This variant is classified as likely benign based on ACMG/AMP sequence variant interpretation guidelines (Richards et al. 2015 PMID: 25741868, with internal and published modifications).